The following is an entry in ClinVar:

NM_002439.5(MSH3):c.2084+4A>G

Gene: MSH3 (mutS homolog 3; plus strand). Cytogenetic location: 5q14.1.
Variant type: single nucleotide variant.
Coding change: c.2084+4A>G on transcript NM_002439.5 (MANE Select); 4 bases into the intron after coding-DNA position 2084, A replaced by G.
Molecular consequence: intron variant.
Genome position (GRCh38, 1-based): chr5:80,768,124, A>G. VCF-style: chr5-80768124-A-G. GRCh37 (hg19) VCF-style: chr5-80063943-A-G.
Identifiers: ClinVar variation 1785606 (VCV001785606.6), dbSNP rs2546773769, ClinGen allele CA2578350436.

ClinVar aggregate classification (germline): Uncertain significance. Review status: criteria provided, multiple submitters, no conflicts (2 of 4 stars). 2 submissions from 2 submitters: Uncertain significance (2). Last evaluated 2025-05-13.

Conditions:
Hereditary cancer-predisposing syndrome. Also called: Neoplastic Syndromes, Hereditary; Tumor predisposition; Hereditary Cancer Syndrome; Hereditary neoplastic syndrome. Identifiers: Orphanet 140162, MedGen C0027672, MeSH D009386, MONDO:0015356.

Allele frequency attached by ClinVar (database versions not stated): gnomAD exomes below 0.00001.
gnomAD v4.1: 1 of 1,612,778 alleles (0.000062%); highest among the groups gnomAD compares: Non-Finnish European, 0.000085%; no homozygotes.

Submissions (2):

Labcorp Genetics (formerly Invitae), Labcorp
Classification: Uncertain significance. Last evaluated: 2025-05-13. Review status: criteria provided, single submitter. Criteria: Invitae Variant Classification Sherloc (09022015). Collection method: clinical testing. Allele origin: germline.
Comment: This sequence change falls in intron 14 of the MSH3 gene. It does not directly change the encoded amino acid sequence of the MSH3 protein. It affects a nucleotide within the consensus splice site. This variant is not present in population databases (gnomAD no frequency). This variant has not been reported in the literature in individuals affected with MSH3-related conditions. ClinVar contains an entry for this variant (Variation ID: 1785606). Variants that disrupt the consensus splice site are a relatively common cause of aberrant splicing (PMID: 17576681, 9536098). Algorithms developed to predict the effect of sequence changes on RNA splicing suggest that this variant is not likely to affect RNA splicing. In summary, the available evidence is currently insufficient to determine the role of this variant in disease. Therefore, it has been classified as a Variant of Uncertain Significance.

Ambry Genetics
Classification: Uncertain significance for Hereditary cancer-predisposing syndrome. Last evaluated: 2025-01-16. Review status: criteria provided, single submitter. Criteria: Ambry Variant Classification Scheme 2023. Collection method: clinical testing. Allele origin: germline.
Comment: The c.2084+4A>G intronic variant results from an A to G substitution 4 nucleotides after coding exon 14 in the MSH3 gene. This nucleotide position is highly conserved in available vertebrate species. In silico splice site analysis predicts that this alteration may result in the creation or strengthening of a novel splice donor site. Based on the available evidence, the clinical significance of this variant remains unclear.

Literature cited by the submitters: PubMed 17576681 (cited by Labcorp Genetics (formerly Invitae), Labcorp); PubMed 9536098 (cited by Labcorp Genetics (formerly Invitae), Labcorp).